The following is an entry in ClinVar:

NM_015102.5(NPHP4):c.1441+10T>C

Gene: NPHP4 (nephrocystin 4; minus strand). Cytogenetic location: 1p36.31.
Variant type: single nucleotide variant.
Coding change: c.1441+10T>C on transcript NM_015102.5 (MANE Select); 10 bases into the intron after coding-DNA position 1441, T replaced by C.
Molecular consequence: intron variant.
Genome position (GRCh38, 1-based): chr1:5,927,639, A>G on the plus strand (T>C on the coding strand, the complement: NPHP4 is on the minus strand). VCF-style: chr1-5927639-A-G. GRCh37 (hg19) VCF-style: chr1-5987699-A-G.
Other names: c.1441+10T>C (NM_015102.4); c.75+10T>C (NM_001291594.2, NM_001291593.2).
Identifiers: ClinVar variation 2080053 (VCV002080053.6), dbSNP rs1217806870, ClinGen allele CA520739067.

ClinVar aggregate classification (germline): Likely benign. Review status: criteria provided, single submitter (1 of 4 stars). 2 submissions from 2 submitters: Likely benign (1). 1 of the submissions does not count toward it. Last evaluated 2021-12-30.

Conditions:
NPHP4-related disorder. Also called: NPHP4-related condition; NPHP4-related disorders. Identifiers: MedGen CN239384.
Nephronophthisis. Also called: Juvenile Nephronophthisis. Identifiers: Orphanet 655, MedGen C0687120, MONDO:0019005, HP:0000090.

Allele frequency attached by ClinVar (database versions not stated): gnomAD 0.00001; gnomAD exomes 0.00001; TOPMed 0.00004.
gnomAD v4.1: 5 of 1,596,288 alleles (0.00031%); highest among the groups gnomAD compares: Admixed American, 0.0034%; no homozygotes.

Submissions (2):

Labcorp Genetics (formerly Invitae), Labcorp
Classification: Likely benign for Nephronophthisis. Last evaluated: 2021-12-30. Review status: criteria provided, single submitter. Criteria: Invitae Variant Classification Sherloc (09022015). Collection method: clinical testing. Allele origin: germline.

PreventionGenetics, part of Exact Sciences
Classification: Likely benign for NPHP4-related condition. Last evaluated: 2019-08-27. Review status: no assertion criteria provided. Collection method: clinical testing. Allele origin: germline. Not counted in ClinVar's aggregate classification.
Comment: This variant is classified as likely benign based on ACMG/AMP sequence variant interpretation guidelines (Richards et al. 2015 PMID: 25741868, with internal and published modifications).